The following is an entry in ClinVar:

ClinVar aggregate classification (germline): Uncertain significance. Review status: criteria provided, multiple submitters, no conflicts (2 of 4 stars). 2 submissions from 2 submitters: Uncertain significance (2). Last evaluated 2025-05-12.

Allele frequency attached by ClinVar (database versions not stated): TOPMed below 0.00001; gnomAD 0.00001.
gnomAD v4.1: 1 of 1,613,604 alleles (0.000062%); highest among the groups gnomAD compares: Non-Finnish European, 0.000085%; no homozygotes.

Submissions (2):

Labcorp Genetics (formerly Invitae), Labcorp
Classification: Uncertain significance. Last evaluated: 2025-05-12. Review status: criteria provided, single submitter. Criteria: Invitae Variant Classification Sherloc (09022015). Collection method: clinical testing. Allele origin: germline.
Comment: This sequence change replaces histidine, which is basic and polar, with arginine, which is basic and polar, at codon 244 of the FBLN5 protein (p.His244Arg). This variant is not present in population databases (gnomAD no frequency). This variant has not been reported in the literature in individuals affected with FBLN5-related conditions. ClinVar contains an entry for this variant (Variation ID: 994054). Invitae Evidence Modeling of protein sequence and biophysical properties (such as structural, functional, and spatial information, amino acid conservation, physicochemical variation, residue mobility, and thermodynamic stability) indicates that this missense variant is not expected to disrupt FBLN5 protein function with a negative predictive value of 80%. In summary, the available evidence is currently insufficient to determine the role of this variant in disease. Therefore, it has been classified as a Variant of Uncertain Significance.

ARUP Laboratories, Molecular Genetics and Genomics, ARUP Laboratories
Classification: Uncertain significance. Last evaluated: 2020-01-22. Review status: criteria provided, single submitter. Criteria: ARUP Molecular Germline Variant Investigation Process. Collection method: clinical testing. Allele origin: germline.
Comment: The FBLN5 c.731A>G; p.His244Arg variant (rs966392105), to our knowledge, is not reported in the medical literature or gene-specific databases. This variant is also absent from general population databases (Exome Variant Server, Genome Aggregation Database), indicating it is not a common polymorphism. The histidine at codon 244 is moderately conserved, and computational analyses (SIFT, PolyPhen-2) predict that this variant is tolerated. However, due to limited information, the clinical significance of the p.His244Arg variant is uncertain at this time.

NM_006329.4(FBLN5):c.731A>G (p.His244Arg)

Gene: FBLN5 (fibulin 5; minus strand). Cytogenetic location: 14q32.12.
Variant type: single nucleotide variant.
Coding change: c.731A>G on transcript NM_006329.4 (MANE Select); coding-DNA position 731, A replaced by G.
Protein change: p.His244Arg; replaces histidine 244 with arginine.
Molecular consequence: missense variant.
Genome position (GRCh38, 1-based): chr14:91,887,201, T>C on the plus strand (A>G on the coding strand, the complement: FBLN5 is on the minus strand). VCF-style: chr14-91887201-T-C. GRCh37 (hg19) VCF-style: chr14-92353545-T-C.
Other names: c.854A>G, p.His285Arg (NM_001384158.1); c.782A>G, p.His261Arg (NM_001384159.1); c.731A>G, p.His244Arg (NM_001384160.1); c.563A>G, p.His188Arg (NM_001384161.1, NM_001384162.1); short protein forms H188R, H244R, H261R, H285R.
Identifiers: ClinVar variation 994054 (VCV000994054.9), dbSNP rs966392105, ClinGen allele CA265597305.